The following is an entry in ClinVar:

NM_001005242.3(PKP2):c.35A>G (p.Tyr12Cys)

Gene: PKP2 (plakophilin 2; minus strand). Cytogenetic location: 12p11.21.
Variant type: single nucleotide variant.
Coding change: c.35A>G on transcript NM_001005242.3 (MANE Select); coding-DNA position 35, A replaced by G.
Protein change: p.Tyr12Cys; replaces tyrosine 12 with cysteine.
Molecular consequence: missense variant.
Genome position (GRCh38, 1-based): chr12:32,896,697, T>C on the plus strand (A>G on the coding strand, the complement: PKP2 is on the minus strand). VCF-style: chr12-32896697-T-C. GRCh37 (hg19) VCF-style: chr12-33049631-T-C.
Other names: c.35A>G, p.Tyr12Cys (NM_004572.4); short protein forms Y12C.
Identifiers: ClinVar variation 919919 (VCV000919919.18), dbSNP rs763433296, ClinGen allele CA037040.

ClinVar aggregate classification (germline): Uncertain significance. Review status: criteria provided, multiple submitters, no conflicts (2 of 4 stars). 4 submissions from 4 submitters: Uncertain significance (4). Last evaluated 2025-12-22.

Conditions:
Cardiovascular phenotype. Identifiers: MedGen CN230736.
Arrhythmogenic right ventricular cardiomyopathy (ARVD). Also called: Arrhythmogenic cardiomyopathy; Cardiomyopathy, ARVC; Arrhythmogenic right ventricular dysplasia; Arrhythmogenic Right Ventricular Cardiomyopathy (ARVC). Identifiers: Orphanet 247, MedGen C0349788, MeSH D019571, MONDO:0016587. Disease mechanism: loss of function. Inheritance: Various modes of inheritance.
Cardiomyopathy (CMYO). Also called: Cardiomyopathies. Identifiers: Orphanet 167848, MedGen C0878544, MONDO:0004994, HP:0001638. Inheritance: Various modes of inheritance.
Arrhythmogenic right ventricular dysplasia 9 (ARVD9). Also called: Arrhythmogenic Right Ventricular Dysplasia/Cardiomyopathy 9; ARRHYTHMOGENIC RIGHT VENTRICULAR DYSPLASIA, FAMILIAL, 9. Identifiers: MedGen C1836906, MONDO:0012180, OMIM 609040.

Allele frequency attached by ClinVar (database versions not stated): gnomAD 0.00001; TOPMed 0.00002; gnomAD exomes 0.00003 and 0.00008; ExAC 0.00020.

Submissions (4):

Labcorp Genetics (formerly Invitae), Labcorp
Classification: Uncertain significance for Arrhythmogenic right ventricular dysplasia 9. Last evaluated: 2025-12-22. Review status: criteria provided, single submitter. Criteria: Invitae Variant Classification Sherloc (09022015). Collection method: clinical testing. Allele origin: germline.
Comment: This sequence change replaces tyrosine, which is neutral and polar, with cysteine, which is neutral and slightly polar, at codon 12 of the PKP2 protein (p.Tyr12Cys). This variant is present in population databases (rs763433296, gnomAD 0.04%). This variant has not been reported in the literature in individuals affected with PKP2-related conditions. ClinVar contains an entry for this variant (Variation ID: 919919). An algorithm developed to predict the effect of missense changes on protein structure and function (PolyPhen-2) suggests that this variant is likely to be disruptive. In summary, the available evidence is currently insufficient to determine the role of this variant in disease. Therefore, it has been classified as a Variant of Uncertain Significance.

Ambry Genetics
Classification: Uncertain significance for Cardiovascular phenotype. Last evaluated: 2025-01-23. Review status: criteria provided, single submitter. Criteria: Ambry Variant Classification Scheme 2023. Collection method: clinical testing. Allele origin: germline.

All of Us Research Program, National Institutes of Health
Classification: Uncertain significance for Arrhythmogenic right ventricular cardiomyopathy. Last evaluated: 2024-08-06. Review status: criteria provided, single submitter. Criteria: ACMG Guidelines, 2015. Collection method: clinical testing. Allele origin: germline. Inheritance: Autosomal dominant inheritance. Observed: 4 variant alleles, 4 heterozygotes.
Comment: This missense variant replaces tyrosine with cysteine at codon 12 of the PKP2 protein. Computational prediction suggests that this variant may have deleterious impact on protein structure and function (internally defined REVEL score threshold >= 0.7, PMID: 27666373). To our knowledge, functional studies have not been performed for this variant. This variant has not been reported in individuals affected with cardiovascular disorders in the literature. This variant has been identified in 9/117646 chromosomes in the general population by the Genome Aggregation Database (gnomAD). The available evidence is insufficient to determine the role of this variant in disease conclusively. Therefore, this variant is classified as a Variant of Uncertain Significance.

This study involves interpretation of variants in research participants for the purpose of population health screening. Participant phenotype was not available at the time of variant classification. Additional details can be found in publication PMID: 35346344, PMCID: PMC8962531

Color Diagnostics, LLC DBA Color Health
Classification: Uncertain significance for Cardiomyopathy. Last evaluated: 2024-03-07. Review status: criteria provided, single submitter. Criteria: ACMG Guidelines, 2015. Collection method: clinical testing. Allele origin: germline.
Comment: This missense variant replaces tyrosine with cysteine at codon 12 of the PKP2 protein. Computational prediction suggests that this variant may have deleterious impact on protein structure and function (internally defined REVEL score threshold >= 0.7, PMID: 27666373). To our knowledge, functional studies have not been performed for this variant. This variant has not been reported in individuals affected with cardiovascular disorders in the literature. This variant has been identified in 9/117646 chromosomes in the general population by the Genome Aggregation Database (gnomAD). The available evidence is insufficient to determine the role of this variant in disease conclusively. Therefore, this variant is classified as a Variant of Uncertain Significance.